The following is an entry in ClinVar:

NM_005445.4(SMC3):c.2707C>T (p.Arg903Cys)

Gene: SMC3 (structural maintenance of chromosomes 3; plus strand). Cytogenetic location: 10q25.2.
Variant type: single nucleotide variant.
Coding change: c.2707C>T on transcript NM_005445.4 (MANE Select); coding-DNA position 2707, C replaced by T.
Protein change: p.Arg903Cys; replaces arginine 903 with cysteine.
Molecular consequence: missense variant.
Genome position (GRCh38, 1-based): chr10:110,601,699, C>T. VCF-style: chr10-110601699-C-T. GRCh37 (hg19) VCF-style: chr10-112361457-C-T.
Other names: short protein forms R903C.
Identifiers: ClinVar variation 2142615 (VCV002142615.6), dbSNP rs766348585, ClinGen allele CA5688279.

ClinVar aggregate classification (germline): Conflicting classifications of pathogenicity. Review status: criteria provided, conflicting classifications (1 of 4 stars). 2 submissions from 2 submitters: Uncertain significance (1); Likely benign (1). Last evaluated 2024-06-22.

Conditions:
Inborn genetic diseases. Identifiers: MedGen C0950123, MeSH D030342.
Cornelia de Lange syndrome 3 (CDLS3). Also called: SMC3-Related Cornelia de Lange Syndrome; CORNELIA DE LANGE SYNDROME 3 WITH OR WITHOUT MIDLINE BRAIN DEFECTS. Identifiers: Orphanet 199, MedGen C1853099, MONDO:0012555, OMIM 610759.

Allele frequency attached by ClinVar (database versions not stated): gnomAD 0.00005.

Submissions (2):

Labcorp Genetics (formerly Invitae), Labcorp
Classification: Uncertain significance for Cornelia de Lange syndrome 3. Last evaluated: 2024-06-22. Review status: criteria provided, single submitter. Criteria: Invitae Variant Classification Sherloc (09022015). Collection method: clinical testing. Allele origin: germline.
Comment: This sequence change replaces arginine, which is basic and polar, with cysteine, which is neutral and slightly polar, at codon 903 of the SMC3 protein (p.Arg903Cys). This variant is present in population databases (rs766348585, gnomAD 0.01%). This variant has not been reported in the literature in individuals affected with SMC3-related conditions. ClinVar contains an entry for this variant (Variation ID: 2142615). Advanced modeling of protein sequence and biophysical properties (such as structural, functional, and spatial information, amino acid conservation, physicochemical variation, residue mobility, and thermodynamic stability) performed at Invitae indicates that this missense variant is not expected to disrupt SMC3 protein function with a negative predictive value of 80%. In summary, the available evidence is currently insufficient to determine the role of this variant in disease. Therefore, it has been classified as a Variant of Uncertain Significance.

Ambry Genetics
Classification: Likely benign for Inborn genetic diseases. Last evaluated: 2023-03-01. Review status: criteria provided, single submitter. Criteria: Ambry Variant Classification Scheme 2023. Collection method: clinical testing. Allele origin: germline.